The following is an entry in ClinVar:

NM_023110.3(FGFR1):c.937-1116C>T

Gene: FGFR1 (fibroblast growth factor receptor 1; minus strand). Cytogenetic location: 8p11.23.
Variant type: single nucleotide variant.
Coding change: c.937-1116C>T on transcript NM_023110.3 (MANE Select); 1116 bases into the intron before coding-DNA position 937, C replaced by T.
Molecular consequence: intron variant.
Genome position (GRCh38, 1-based): chr8:38,423,057, G>A on the plus strand (C>T on the coding strand, the complement: FGFR1 is on the minus strand). VCF-style: chr8-38423057-G-A. GRCh37 (hg19) VCF-style: chr8-38280575-G-A.
Other names: c.664-1116C>T (NM_001354368.2, NM_001354370.2, NM_023106.3); c.670-1116C>T (NM_023105.3, NM_001174066.2); c.931-1116C>T (NM_001354367.2, NM_015850.4, NM_001354369.2 and 2 more transcripts); c.937-1116C>T (NM_001174063.2); c.913-1116C>T (NM_001174064.2); c.1030-1116C>T (NM_001174067.2).
Identifiers: ClinVar variation 4681430 (VCV004681430.5).

ClinVar aggregate classification (germline): Uncertain significance (1 of 4 stars; one submission).

gnomAD v4.1: 5 of 779,618 alleles (0.00064%); highest among the groups gnomAD compares: East Asian, 0.0048%; no homozygotes.

Submission:

CeGaT Center for Human Genetics Tuebingen
Classification: Uncertain significance. Last evaluated: 2025-12-01. Review status: criteria provided, single submitter. Criteria: CeGaT Center For Human Genetics Tuebingen Variant Classification Criteria Version 2. Collection method: clinical testing. Allele origin: germline. Affected: yes. Observed: 1 variant allele.
Comment: FGFR1: PM2:Supporting, BP4